The following is an entry in ClinVar:

NM_017617.5(NOTCH1):c.6784G>A (p.Gly2262Ser)

Gene: NOTCH1 (notch receptor 1; minus strand). Cytogenetic location: 9q34.3.
Variant type: single nucleotide variant.
Coding change: c.6784G>A on transcript NM_017617.5 (MANE Select); coding-DNA position 6784, G replaced by A.
Protein change: p.Gly2262Ser; replaces glycine 2262 with serine.
Molecular consequence: missense variant.
Genome position (GRCh38, 1-based): chr9:136,496,955, C>T on the plus strand (G>A on the coding strand, the complement: NOTCH1 is on the minus strand). VCF-style: chr9-136496955-C-T. GRCh37 (hg19) VCF-style: chr9-139391407-C-T.
Other names: p.Gly2262Ser; c.6784G>A, p.Gly2262Ser (LRG_1122t1); short protein forms G2262S.
Identifiers: ClinVar variation 544176 (VCV000544176.10), dbSNP rs780071276, ClinGen allele CA5339817.

ClinVar aggregate classification (germline): Conflicting classifications of pathogenicity. Review status: criteria provided, conflicting classifications (1 of 4 stars). 3 submissions from 3 submitters: Uncertain significance (1); Benign (1); Likely benign (1). Last evaluated 2026-03-20.

Conditions:
Adams-Oliver syndrome 5 (AOS5). Identifiers: Orphanet 974, MedGen C4014970, MONDO:0014459, OMIM 616028.
Familial thoracic aortic aneurysm and aortic dissection (TAAD). Also called: Thoracic aortic aneurysms and dissections. Identifiers: Orphanet 91387, MedGen C4707243, MONDO:0019625.

Allele frequency attached by ClinVar (database versions not stated): gnomAD exomes 0.00001 and 0.00002; TOPMed 0.00003; ExAC 0.00004; gnomAD 0.00001.
gnomAD v4.1: 13 of 1,610,890 alleles (0.00081%); highest among the groups gnomAD compares: East Asian, 0.0022%; no homozygotes.

Submissions (3):

Ambry Genetics
Classification: Likely benign for Familial thoracic aortic aneurysm and aortic dissection. Last evaluated: 2026-03-20. Review status: criteria provided, single submitter. Criteria: Ambry Variant Classification Scheme 2023. Collection method: clinical testing. Allele origin: germline.

Labcorp Genetics (formerly Invitae), Labcorp
Classification: Benign for Adams-Oliver syndrome 5. Last evaluated: 2024-10-22. Review status: criteria provided, single submitter. Criteria: Invitae Variant Classification Sherloc (09022015). Collection method: clinical testing. Allele origin: germline.

Mayo Clinic Laboratories, Mayo Clinic
Classification: Uncertain significance. Last evaluated: 2023-02-03. Review status: criteria provided, single submitter. Criteria: ACMG Guidelines, 2015. Collection method: clinical testing. Allele origin: germline. Observed: 1 variant allele.
Comment: BP4_strong